The following is an entry in ClinVar:

NM_001563.4(IMPG1):c.1276G>A (p.Glu426Lys)

Gene: IMPG1 (interphotoreceptor matrix proteoglycan 1; minus strand). Cytogenetic location: 6q14.1.
Variant type: single nucleotide variant.
Coding change: c.1276G>A on transcript NM_001563.4 (MANE Select); coding-DNA position 1276, G replaced by A.
Protein change: p.Glu426Lys; replaces glutamic acid 426 with lysine.
Molecular consequence: missense variant.
Genome position (GRCh38, 1-based): chr6:76,002,933, C>T on the plus strand (G>A on the coding strand, the complement: IMPG1 is on the minus strand). VCF-style: chr6-76002933-C-T. GRCh37 (hg19) VCF-style: chr6-76712650-C-T.
Other names: c.1276G>A (NM_001563.3); c.1042G>A, p.Glu348Lys (NM_001282368.2); short protein forms E348K, E426K.
Identifiers: ClinVar variation 3248935 (VCV003248935.3).

ClinVar aggregate classification (germline): Uncertain significance. Review status: criteria provided, multiple submitters, no conflicts (2 of 4 stars). 3 submissions from 3 submitters: Uncertain significance (2). 1 of the submissions does not count toward it. Last evaluated 2026-03-29.

Conditions:
IMPG1-related disorder. Also called: IMPG1-related condition.
Retinal dystrophy. Also called: Inherited retinal dystrophy. Identifiers: Orphanet 71862, MedGen C0854723, MeSH D058499, MONDO:0019118, HP:0000556.

gnomAD v4.1: 24 of 1,613,100 alleles (0.0015%); highest among the groups gnomAD compares: Admixed American, 0.0067%; no homozygotes.

Submissions (3):

PreventionGenetics, part of Exact Sciences
Classification: Uncertain significance for IMPG1-related condition. Last evaluated: 2026-03-29. Review status: criteria provided, single submitter. Criteria: ACMG Guidelines, 2015. Collection method: clinical testing. Allele origin: germline.
Comment: The IMPG1 c.1276G>A variant is predicted to result in the amino acid substitution p.Glu426Lys. To our knowledge, this variant has not been reported in the literature. This variant is present in 0.0087% of alleles in individuals of Latino descent in gnomAD. At this time, the clinical significance of this variant is uncertain due to the absence of conclusive functional and genetic evidence.

Blueprint Genetics
Classification: Uncertain significance. Last evaluated: 2021-12-14. Review status: criteria provided, single submitter. Criteria: ACMG Guidelines, 2015. Collection method: clinical testing. Allele origin: germline.

Institute of Human Genetics, Univ. Regensburg, Univ. Regensburg
Classification: Uncertain significance for Retinal dystrophy. Last evaluated: 2020-01-01. Review status: no assertion criteria provided. Criteria: ACMG Guidelines, 2015. Collection method: clinical testing. Allele origin: germline. Affected: yes. Not counted in ClinVar's aggregate classification.